The following is an entry in ClinVar:

NM_139076.3(ABRAXAS1):c.417A>G (p.Ile139Met)

Gene: ABRAXAS1 (abraxas 1, BRCA1 A complex subunit; minus strand). Cytogenetic location: 4q21.23.
Variant type: single nucleotide variant.
Coding change: c.417A>G on transcript NM_139076.3 (MANE Select); coding-DNA position 417, A replaced by G.
Protein change: p.Ile139Met; replaces isoleucine 139 with methionine.
Molecular consequence: missense variant.
Genome position (GRCh38, 1-based): chr4:83,470,262, T>C on the plus strand (A>G on the coding strand, the complement: ABRAXAS1 is on the minus strand). VCF-style: chr4-83470262-T-C. GRCh37 (hg19) VCF-style: chr4-84391415-T-C.
Other names: c.90A>G, p.Ile30Met (NM_001345962.2); short protein forms I139M, I30M.
Identifiers: ClinVar variation 964610 (VCV000964610.9), dbSNP rs1722530322, ClinGen allele CA357259788.

ClinVar aggregate classification (germline): Uncertain significance (1 of 4 stars; one submission).

Submission:

Labcorp Genetics (formerly Invitae), Labcorp
Classification: Uncertain significance. Last evaluated: 2023-03-09. Review status: criteria provided, single submitter. Criteria: Invitae Variant Classification Sherloc (09022015). Collection method: clinical testing. Allele origin: germline.
Comment: In summary, the available evidence is currently insufficient to determine the role of this variant in disease. Therefore, it has been classified as a Variant of Uncertain Significance. Advanced modeling of protein sequence and biophysical properties (such as structural, functional, and spatial information, amino acid conservation, physicochemical variation, residue mobility, and thermodynamic stability) performed at Invitae indicates that this missense variant is not expected to disrupt ABRAXAS1 protein function. ClinVar contains an entry for this variant (Variation ID: 964610). This variant has not been reported in the literature in individuals affected with ABRAXAS1-related conditions. This variant is not present in population databases (gnomAD no frequency). This sequence change replaces isoleucine, which is neutral and non-polar, with methionine, which is neutral and non-polar, at codon 139 of the ABRAXAS1 protein (p.Ile139Met).